The following is an entry in ClinVar:

NM_017950.4(CCDC40):c.3322G>A (p.Ala1108Thr)

Gene: CCDC40 (coiled-coil domain 40 molecular ruler complex subunit; plus strand). Cytogenetic location: 17q25.3.
Variant type: single nucleotide variant.
Coding change: c.3322G>A on transcript NM_017950.4 (MANE Select); coding-DNA position 3322, G replaced by A.
Protein change: p.Ala1108Thr; replaces alanine 1108 with threonine.
Molecular consequence: missense variant.
Genome position (GRCh38, 1-based): chr17:80,099,668, G>A. VCF-style: chr17-80099668-G-A. GRCh37 (hg19) VCF-style: chr17-78073467-G-A.
Other names: short protein forms A1108T.
Identifiers: ClinVar variation 454891 (VCV000454891.10), dbSNP rs763389968, ClinGen allele CA8814709.

ClinVar aggregate classification (germline): Uncertain significance. Review status: criteria provided, multiple submitters, no conflicts (2 of 4 stars). 2 submissions from 2 submitters: Uncertain significance (2). Last evaluated 2018-10-09.

Conditions:
Primary ciliary dyskinesia. Also called: Ciliary dyskinesia. Identifiers: Orphanet 244, MedGen C0008780, MONDO:0016575, HP:0012265.

Allele frequency attached by ClinVar (database versions not stated): gnomAD 0.00001; gnomAD exomes 0.00001 and 0.00003; ExAC 0.00004.
gnomAD v4.1: 18 of 1,613,684 alleles (0.0011%); highest among the groups gnomAD compares: Admixed American, 0.012%; no homozygotes.

Submissions (2):

Blueprint Genetics
Classification: Uncertain significance. Last evaluated: 2018-10-09. Review status: criteria provided, single submitter. Criteria: ACMG Guidelines, 2015. Collection method: clinical testing. Allele origin: germline.

Labcorp Genetics (formerly Invitae), Labcorp
Classification: Uncertain significance for Primary ciliary dyskinesia. Last evaluated: 2017-05-03. Review status: criteria provided, single submitter. Criteria: Invitae Variant Classification Sherloc (09022015). Collection method: clinical testing. Allele origin: germline.
Comment: In summary, this variant is a novel missense change that is not predicted to affect protein function. There is no indication that it causes disease, but the available evidence is currently insufficient to prove that conclusively. Therefore, it has been classified as a Variant of Uncertain Significance. Algorithms developed to predict the effect of missense changes on protein structure and function (SIFT, PolyPhen-2, Align-GVGD) all suggest that this variant is likely to be tolerated, but these predictions have not been confirmed by published functional studies. The frequency data for this variant (rs763389968) in the population databases is unreliable, as metrics indicate poor quality at this position in the ExAC database. This variant has not been reported in the literature in individuals with a CCDC40-related disease. This sequence change replaces alanine with threonine at codon 1108 of the CCDC40 protein (p.Ala1108Thr). The alanine residue is weakly conserved and there is a small physicochemical difference between alanine and threonine.